The following is an entry in ClinVar:

NM_030665.4(RAI1):c.206C>G (p.Thr69Ser)

Gene: RAI1 (retinoic acid induced 1; plus strand). Cytogenetic location: 17p11.2.
Variant type: single nucleotide variant.
Coding change: c.206C>G on transcript NM_030665.4 (MANE Select); coding-DNA position 206, C replaced by G.
Protein change: p.Thr69Ser; replaces threonine 69 with serine.
Molecular consequence: missense variant.
Genome position (GRCh38, 1-based): chr17:17,793,154, C>G. VCF-style: chr17-17793154-C-G. GRCh37 (hg19) VCF-style: chr17-17696468-C-G.
Other names: short protein forms T69S.
Identifiers: ClinVar variation 2418229 (VCV002418229.5), dbSNP rs776386424, ClinGen allele CA8418072.

ClinVar aggregate classification (germline): Uncertain significance (1 of 4 stars; one submission).

Allele frequency attached by ClinVar (database versions not stated): gnomAD exomes below 0.00001; ExAC 0.00001.
gnomAD v4.1: 4 of 1,613,422 alleles (0.00025%); highest among the groups gnomAD compares: Non-Finnish European, 0.00025%; no homozygotes.

Submission:

Labcorp Genetics (formerly Invitae), Labcorp
Classification: Uncertain significance. Last evaluated: 2024-02-22. Review status: criteria provided, single submitter. Criteria: Invitae Variant Classification Sherloc (09022015). Collection method: clinical testing. Allele origin: germline.
Comment: This sequence change replaces threonine, which is neutral and polar, with serine, which is neutral and polar, at codon 69 of the RAI1 protein (p.Thr69Ser). This variant is present in population databases (rs776386424, gnomAD 0.0009%). This variant has not been reported in the literature in individuals affected with RAI1-related conditions. ClinVar contains an entry for this variant (Variation ID: 2418229). Algorithms developed to predict the effect of missense changes on protein structure and function output the following: SIFT: "Not Available"; PolyPhen-2: "Benign"; Align-GVGD: "Not Available". The serine amino acid residue is found in multiple mammalian species, which suggests that this missense change does not adversely affect protein function. In summary, the available evidence is currently insufficient to determine the role of this variant in disease. Therefore, it has been classified as a Variant of Uncertain Significance.